The following is an entry in ClinVar:

NM_000368.5(TSC1):c.2577C>T (p.Asn859=)

Gene: TSC1 (TSC complex subunit 1; minus strand). Cytogenetic location: 9q34.13.
Variant type: single nucleotide variant.
Coding change: c.2577C>T on transcript NM_000368.5 (MANE Select); coding-DNA position 2577, C replaced by T.
Protein change: p.Asn859=; no amino-acid change (asparagine 859 retained).
Molecular consequence: synonymous variant.
Genome position (GRCh38, 1-based): chr9:132,900,763, G>A on the plus strand (C>T on the coding strand, the complement: TSC1 is on the minus strand). VCF-style: chr9-132900763-G-A. GRCh37 (hg19) VCF-style: chr9-135776150-G-A.
Other names: c.2574C>T, p.Asn858= (NM_001162426.2); c.2424C>T, p.Asn808= (NM_001162427.2); c.2214C>T, p.Asn738= (NM_001362177.2).
Identifiers: ClinVar variation 186711 (VCV000186711.17), dbSNP rs781553258, ClinGen allele CA006673.
Genomic context (GRCh38, chr9:132,900,763, plus strand): 5'-GCCCTGGCATACCTTTGTGGTATCTGAGTGCTTGTTCTGCAGTTGTTCCAAATAGAGCTC[G>A]TTGACCTCCCCAAGAACCAACAGCTGCCTGTTCAAGAACTCCATCTGCTGCTGGACCGAC-3'
Protein context (NP_000359.1, residues 849-869): NRQLLVLGEV[Asn859=]ELYLEQLQNK

ClinVar aggregate classification (germline): Benign/Likely benign. Review status: criteria provided, multiple submitters, no conflicts (2 of 4 stars). 4 submissions from 4 submitters: Benign (2); Likely benign (2). Last evaluated 2025-12-22.

Conditions:
Hereditary cancer-predisposing syndrome. Also called: Hereditary Cancer Syndrome; Neoplastic Syndromes, Hereditary; Tumor predisposition; Hereditary neoplastic syndrome. Identifiers: Orphanet 140162, MedGen C0027672, MeSH D009386, MONDO:0015356.
Tuberous sclerosis 1 (TSC1). Identifiers: Orphanet 805, MedGen C1854465, MONDO:0008612, OMIM 191100.

Allele frequency attached by ClinVar (database versions not stated): gnomAD exomes below 0.00001 and 0.00001; TOPMed below 0.00001; gnomAD 0.00001; ExAC 0.00002.

Submissions (4):

Labcorp Genetics (formerly Invitae), Labcorp
Classification: Likely benign for Tuberous sclerosis 1. Last evaluated: 2025-12-22. Review status: criteria provided, single submitter. Criteria: Invitae Variant Classification Sherloc (09022015). Collection method: clinical testing. Allele origin: germline.

Myriad Genetics, Inc.
Classification: Benign for Tuberous sclerosis 1. Last evaluated: 2025-04-28. Review status: criteria provided, single submitter. Criteria: Myriad Autosomal Dominant, Autosomal Recessive and X-Linked Classification Criteria (2023). Collection method: clinical testing. Allele origin: unknown.
Comment: This variant is considered benign. This variant is a silent/synonymous amino acid change and it is not expected to impact splicing.

Genome-Nilou Lab
Classification: Benign for Tuberous sclerosis 1. Last evaluated: 2021-11-07. Review status: criteria provided, single submitter. Criteria: ACMG Guidelines, 2015. Collection method: clinical testing. Allele origin: germline. Affected: no.

Ambry Genetics
Classification: Likely benign for Hereditary cancer-predisposing syndrome. Last evaluated: 2014-12-05. Review status: criteria provided, single submitter. Criteria: Ambry Variant Classification Scheme 2023. Collection method: clinical testing. Allele origin: germline.